The following is an entry in ClinVar:

ClinVar aggregate classification (germline): Uncertain significance (1 of 4 stars; one submission).

Conditions:
Long QT syndrome (LQTS). Identifiers: MedGen C0023976, MeSH D008133, MONDO:0002442. Disease mechanism: loss of function. Inheritance: Various modes of inheritance.

Allele frequency attached by ClinVar (database versions not stated): gnomAD exomes below 0.00001.

Submission:

Labcorp Genetics (formerly Invitae), Labcorp
Classification: Uncertain significance for Long QT syndrome. Last evaluated: 2020-07-12. Review status: criteria provided, single submitter. Criteria: Invitae Variant Classification Sherloc (09022015). Collection method: clinical testing. Allele origin: germline.
Comment: In summary, the available evidence is currently insufficient to determine the role of this variant in disease. Therefore, it has been classified as a Variant of Uncertain Significance. The current clinical and genetic evidence is not sufficient to establish whether loss-of-function variants in AKAP9 cause disease. This variant has not been reported in the literature in individuals with AKAP9-related conditions. This variant is not present in population databases (ExAC no frequency). This sequence change creates a premature translational stop signal (p.Gln862Argfs*15) in the AKAP9 gene. It is expected to result in an absent or disrupted protein product.

NM_005751.5(AKAP9):c.2585_2586del (p.Gln862fs)

Gene: AKAP9 (A-kinase anchoring protein 9; plus strand). Cytogenetic location: 7q21.2.
Variant type: Deletion.
Coding change: c.2585_2586del on transcript NM_005751.5 (MANE Select); coding-DNA positions 2585 to 2586, 2 bases deleted (AA; older notation c.2585_2586delAA).
Protein change: p.Gln862fs; shifts the reading frame from glutamine 862.
Molecular consequence: frameshift variant.
Genome position (GRCh38, 1-based): chr7:92,002,502-92,002,503, AA deleted. VCF-style (leftmost placement, unchanged base first): chr7-92002501-CAA-C. GRCh37 (hg19) VCF-style: chr7-91631815-CAA-C.
Other names: c.2585_2586del, p.Gln862fs (NM_147185.3); short protein forms Q862fs.
Identifiers: ClinVar variation 1056871 (VCV001056871.7), dbSNP rs1799296048, ClinGen allele CA1725682868.